The following is an entry in ClinVar:

ClinVar aggregate classification (germline): Uncertain significance (1 of 4 stars; one submission).

Submission:

Ambry Genetics
Classification: Uncertain significance. Last evaluated: 2025-10-12. Review status: criteria provided, single submitter. Criteria: Ambry Variant Classification Scheme 2023. Collection method: clinical testing. Allele origin: germline.
Comment: The p.P482T variant (also known as c.1444C>A), located in coding exon 14 of the KIF1B gene, results from a C to A substitution at nucleotide position 1444. The proline at codon 482 is replaced by threonine, an amino acid with highly similar properties. This amino acid position is conserved. In addition, the in silico prediction for this alteration is inconclusive. Based on the available evidence, the clinical significance of this variant remains unclear.

NM_001365951.3(KIF1B):c.1582C>A (p.Pro528Thr)

Gene: KIF1B (kinesin family member 1B; plus strand). Cytogenetic location: 1p36.22.
Variant type: single nucleotide variant.
Coding change: c.1582C>A on transcript NM_001365951.3 (MANE Select); coding-DNA position 1582, C replaced by A.
Protein change: p.Pro528Thr; replaces proline 528 with threonine.
Molecular consequence: missense variant.
Genome position (GRCh38, 1-based): chr1:10,292,114, C>A. VCF-style: chr1-10292114-C-A. GRCh37 (hg19) VCF-style: chr1-10352172-C-A.
Other names: c.1582C>A, p.Pro528Thr (NM_001365952.1); c.1444C>A, p.Pro482Thr (NM_001365953.1, NM_015074.3, NM_183416.4); short protein forms P528T, P482T.
Identifiers: ClinVar variation 4543643 (VCV004543643.1).
Genomic context (GRCh38, chr1:10,292,114, plus strand): 5'-TTGTTGGCTGAGATGGGAGTTGCCATTCGGGAAGATGGAGGAACCCTAGGGGTTTTCTCA[C>A]CTAAAAAGGTAGGAAACAATGCTGTGAAACCTAATCAGACAGAGACACTTTTTGTTTGTC-3'
Protein context (NP_001352880.1, residues 518-538): EDGGTLGVFS[Pro528Thr]KKTPHLVNLN